The following is an entry in ClinVar:

ClinVar aggregate classification (germline): Uncertain significance. Review status: criteria provided, multiple submitters, no conflicts (2 of 4 stars). 2 submissions from 2 submitters: Uncertain significance (2). Last evaluated 2024-09-05.

Conditions:
Cornelia de Lange syndrome 1 (CDLS1). Also called: TYPUS DEGENERATIVUS AMSTELODAMENSIS; Brachmann de Lange syndrome; NIPBL-Related Cornelia de Lange Syndrome. Identifiers: Orphanet 199, MedGen C4551851, MONDO:0007387, OMIM 122470.

Allele frequency attached by ClinVar (database versions not stated): gnomAD exomes 0.00001; ExAC 0.00002.
gnomAD v4.1: 4 of 1,612,482 alleles (0.00025%); highest among the groups gnomAD compares: Admixed American, 0.0033%; no homozygotes.

Submissions (2):

Labcorp Genetics (formerly Invitae), Labcorp
Classification: Uncertain significance for Cornelia de Lange syndrome 1. Last evaluated: 2024-09-05. Review status: criteria provided, single submitter. Criteria: Invitae Variant Classification Sherloc (09022015). Collection method: clinical testing. Allele origin: germline.
Comment: This sequence change replaces serine, which is neutral and polar, with glycine, which is neutral and non-polar, at codon 135 of the NIPBL protein (p.Ser135Gly). This variant is present in population databases (rs758194241, gnomAD 0.003%). This variant has not been reported in the literature in individuals affected with NIPBL-related conditions. ClinVar contains an entry for this variant (Variation ID: 1963993). Invitae Evidence Modeling of protein sequence and biophysical properties (such as structural, functional, and spatial information, amino acid conservation, physicochemical variation, residue mobility, and thermodynamic stability) indicates that this missense variant is not expected to disrupt NIPBL protein function with a negative predictive value of 95%. In summary, the available evidence is currently insufficient to determine the role of this variant in disease. Therefore, it has been classified as a Variant of Uncertain Significance.

Neuberg Centre For Genomic Medicine, NCGM
Classification: Uncertain significance for Cornelia de Lange syndrome 1. Last evaluated: 2023-06-22. Review status: criteria provided, single submitter. Criteria: ACMG Guidelines, 2015. Collection method: clinical testing. Allele origin: germline. Inheritance: Autosomal dominant inheritance. Affected: yes.
Comment: The missense variant c.403A>G (p.Ser135Gly) in NIPBL gene has not been reported previously as a pathogenic variant nor as a benign variant, to our knowledge. The p.Ser135Gly variant is present with allele frequency of 0.0008% in gnomAD Exomes. This variant has been submitted to the ClinVar database as Uncertain Significance. Multiple lines of computational evidence (Polyphen - Benign, SIFT - Tolerated and MutationTaster - Polymorphism) predict no damaging effect on protein structure and function for this variant. The reference amino acid at this position on NIPBL gene is predicted as conserved by GERP++ and PhyloP across 100 vertebrates. The amino acid Ser at position 135 is changed to a Gly changing protein sequence and it might alter its composition and physico-chemical properties. For these reasons, this variant has been classified as Uncertain Significance (VUS).

NM_133433.4(NIPBL):c.403A>G (p.Ser135Gly)

Gene: NIPBL (NIPBL cohesin loading factor; plus strand). Cytogenetic location: 5p13.2.
Variant type: single nucleotide variant.
Coding change: c.403A>G on transcript NM_133433.4 (MANE Select); coding-DNA position 403, A replaced by G.
Protein change: p.Ser135Gly; replaces serine 135 with glycine.
Molecular consequence: missense variant.
Genome position (GRCh38, 1-based): chr5:36,961,528, A>G. VCF-style: chr5-36961528-A-G. GRCh37 (hg19) VCF-style: chr5-36961630-A-G.
Other names: c.403A>G, p.Ser135Gly (NM_015384.5); short protein forms S135G.
Identifiers: ClinVar variation 1963993 (VCV001963993.5), dbSNP rs758194241, ClinGen allele CA3235817.